The following is an entry in ClinVar:

NM_001111.5(ADAR):c.1714dup (p.Glu572fs)

Gene: ADAR (adenosine deaminase RNA specific; minus strand). Cytogenetic location: 1q21.3.
Variant type: Duplication.
Coding change: c.1714dup on transcript NM_001111.5 (MANE Select); coding-DNA position 1714, one base duplicated (G; older notation c.1714dupG).
Protein change: p.Glu572fs; shifts the reading frame from glutamic acid 572.
Molecular consequence: frameshift variant.
Genome position (GRCh38, 1-based): chr1:154,598,473, C duplicated on the plus strand (G on the coding strand, the reverse complement: ADAR is on the minus strand); the first of 2 consecutive C bases (chr1:154,598,473-154,598,474); duplicating either gives the same sequence. VCF-style (leftmost placement, unchanged base first): chr1-154598472-T-TC. GRCh37 (hg19) VCF-style: chr1-154570948-T-TC.
Other names: c.829dup, p.Glu277fs (NM_001025107.3, NM_001193495.2, NM_001365046.1 and 3 more transcripts); c.1741dup, p.Glu581fs (NM_001365045.1); c.1714dup, p.Glu572fs (NM_015840.4, NM_015841.4); short protein forms E581fs, E277fs, E572fs.
Identifiers: ClinVar variation 817719 (VCV000817719.1), dbSNP rs1571095986, ClinGen allele CA915941446.
Genomic context (GRCh38, chr1:154,598,472, plus strand): 5'-TCTTTCTCTGTGGAATAGTGGGATGATTCTTCTGATTTTCCACTGTCCTTGGCTTTGGCT[T>TC]CCTCTAGCAGAATTGTCATGGCTTTCATAGCTGCATCCTGCTTGGCCACTTTCTTGCTTC-3'

ClinVar aggregate classification (germline): Likely pathogenic (1 of 4 stars; one submission).

Submission:

GeneDx
Classification: Likely pathogenic. Last evaluated: 2018-06-29. Review status: criteria provided, single submitter. Criteria: GeneDx Variant Classification (06012015). Collection method: clinical testing. Allele origin: germline. Affected: yes.
Comment: The c.1714dupG variant in the ADAR gene has not been reported previously as a pathogenic variant nor as a benign variant, to our knowledge. The c.1714dupG variant causes a frameshift starting with codon Glutamic Acid 572, changes this amino acid to a Glycine residue, and creates a premature Stop codon at position 50 of the new reading frame, denoted p.Glu572GlyfsX50. This variant is predicted to cause loss of normal protein function either through protein truncation or nonsense-mediated mRNA decay. The c.1714dupG variant is not observed in large population cohorts (Lek et al., 2016). We interpret c.1714dupG as a likely pathogenic variant.